The following is an entry in ClinVar:

ClinVar aggregate classification (germline): Uncertain significance. Review status: criteria provided, multiple submitters, no conflicts (2 of 4 stars). 3 submissions from 3 submitters: Uncertain significance (3). Last evaluated 2025-06-14.

Conditions:
Epidermolysis bullosa simplex with nail dystrophy (EBS5D). Identifiers: MedGen C4225309, MONDO:0014661, OMIM 616487.
Epidermolysis bullosa simplex, Ogna type (EBS5A). Also called: Pidermolysis bullosa simplex 5A, Ogna type; EPIDERMOLYSIS BULLOSA SIMPLEX 5A, OGNA TYPE. Identifiers: Orphanet 79401, MedGen C0432317, MONDO:0007555, OMIM 131950.
Autosomal recessive limb-girdle muscular dystrophy type 2Q (LGMDR17). Also called: MUSCULAR DYSTROPHY, LIMB-GIRDLE, AUTOSOMAL RECESSIVE 17. Identifiers: Orphanet 254361, MedGen C3150989, MONDO:0013390, OMIM 613723.
Epidermolysis bullosa simplex 5C, with pyloric atresia (EBS5C). Also called: PLEC-Related Epidermolysis Bullosa with Pyloric Atresia; Epidermolysis bullosa simplex with pyloric atresia; PLEC1-Related Epidermolysis Bullosa with Pyloric Atresia. Identifiers: Orphanet 158684, MedGen C2677349, MONDO:0012807, OMIM 612138.
Epidermolysis bullosa simplex 5B, with muscular dystrophy (EBS5B). Also called: EPIDERMOLYSIS BULLOSA SIMPLEX AND LIMB-GIRDLE MUSCULAR DYSTROPHY; Epidermolysis bullosa simplex with muscular dystrophy. Identifiers: Orphanet 257, MedGen C2931072, MONDO:0009181, OMIM 226670.

Allele frequency attached by ClinVar (database versions not stated): gnomAD exomes 0.00001 and 0.00002; TOPMed 0.00001; ExAC 0.00002.
gnomAD v4.1: 10 of 1,613,090 alleles (0.00062%); highest among the groups gnomAD compares: South Asian, 0.0022%; no homozygotes.

Submissions (3):

Labcorp Genetics (formerly Invitae), Labcorp
Classification: Uncertain significance for Autosomal recessive limb-girdle muscular dystrophy type 2Q; Epidermolysis bullosa simplex, Ogna type; Epidermolysis bullosa simplex with nail dystrophy; Epidermolysis bullosa simplex 5C, with pyloric atresia; Epidermolysis bullosa simplex 5B, with muscular dystrophy. Last evaluated: 2025-06-14. Review status: criteria provided, single submitter. Criteria: Invitae Variant Classification Sherloc (09022015). Collection method: clinical testing. Allele origin: germline.
Comment: This sequence change replaces serine, which is neutral and polar, with phenylalanine, which is neutral and non-polar, at codon 4161 of the PLEC protein (p.Ser4161Phe). This variant is present in population databases (rs782074353, gnomAD 0.003%). This variant has not been reported in the literature in individuals affected with PLEC-related conditions. ClinVar contains an entry for this variant (Variation ID: 471530). Invitae Evidence Modeling of protein sequence and biophysical properties (such as structural, functional, and spatial information, amino acid conservation, physicochemical variation, residue mobility, and thermodynamic stability) indicates that this missense variant is not expected to disrupt PLEC protein function with a negative predictive value of 80%. In summary, the available evidence is currently insufficient to determine the role of this variant in disease. Therefore, it has been classified as a Variant of Uncertain Significance.

Revvity Omics, Revvity
Classification: Uncertain significance. Last evaluated: 2023-10-17. Review status: criteria provided, single submitter. Criteria: ACMG Guidelines, 2015. Collection method: clinical testing. Allele origin: germline.

Athena Diagnostics
Classification: Uncertain significance. Last evaluated: 2017-09-12. Review status: criteria provided, single submitter. Criteria: Athena Diagnostics Criteria. Collection method: clinical testing. Allele origin: germline.

NM_201384.3(PLEC):c.12401C>T (p.Ser4134Phe)

Gene: PLEC (plectin; minus strand). Cytogenetic location: 8q24.3.
Variant type: single nucleotide variant.
Coding change: c.12401C>T on transcript NM_201384.3 (MANE Select); coding-DNA position 12401, C replaced by T.
Protein change: p.Ser4134Phe; replaces serine 4134 with phenylalanine.
Molecular consequence: missense variant.
Genome position (GRCh38, 1-based): chr8:143,917,420, G>A on the plus strand (C>T on the coding strand, the complement: PLEC is on the minus strand). VCF-style: chr8-143917420-G-A. GRCh37 (hg19) VCF-style: chr8-144991588-G-A.
Other names: c.12482C>T, p.Ser4161Phe (NM_000445.5); c.12359C>T, p.Ser4120Phe (NM_201378.4); c.12335C>T, p.Ser4112Phe (NM_201379.3); c.12812C>T, p.Ser4271Phe (NM_201380.4); c.12305C>T, p.Ser4102Phe (NM_201381.3); c.12401C>T, p.Ser4134Phe (NM_201382.4); c.12413C>T, p.Ser4138Phe (NM_201383.3); short protein forms S4102F, S4138F, S4161F, S4271F, S4112F, S4120F, S4134F.
Identifiers: ClinVar variation 471530 (VCV000471530.11), dbSNP rs782074353, ClinGen allele CA4924095.
Genomic context (GRCh38, chr8:143,917,420, plus strand): 5'-ACTGACATCTCCTTGCCCGTCTCGGGGTCCACGATGACCACTCGGCGCTTGCGCACGGAG[G>A]ACTTGGAGGACGTCTTCCGCTCCCGCTTCTTCTCCTTCAGCGGCAAGAGACACAGGCCCG-3'
Protein context (NP_958786.1, residues 4124-4144): KKRERKTSSK[Ser4134Phe]SVRKRRVVIV